The following is an entry in ClinVar:

NM_203447.4(DOCK8):c.5962G>C (p.Gly1988Arg)

Gene: DOCK8 (dedicator of cytokinesis 8; plus strand). Cytogenetic location: 9p24.3.
Variant type: single nucleotide variant.
Coding change: c.5962G>C on transcript NM_203447.4 (MANE Select); coding-DNA position 5962, G replaced by C.
Protein change: p.Gly1988Arg; replaces glycine 1988 with arginine.
Molecular consequence: missense variant.
Genome position (GRCh38, 1-based): chr9:452,011, G>C. VCF-style: chr9-452011-G-C. GRCh37 (hg19) VCF-style: chr9-452011-G-C.
Other names: c.5662G>C, p.Gly1888Arg (NM_001190458.2); c.5758G>C, p.Gly1920Arg (NM_001193536.2); short protein forms G1888R, G1920R, G1988R.
Identifiers: ClinVar variation 1339072 (VCV001339072.2), dbSNP rs1482237306, ClinGen allele CA372769627.

ClinVar aggregate classification (germline): Uncertain significance (1 of 4 stars; one submission).

Conditions:
Combined immunodeficiency due to DOCK8 deficiency (HIES2). Also called: Hyper-IgE recurrent infection syndrome, autosomal recessive; HIES autosomal recessive; HYPER-IgE SYNDROME 2, AUTOSOMAL RECESSIVE, WITH RECURRENT INFECTIONS; HYPER-IgE RECURRENT INFECTION SYNDROME 2, AUTOSOMAL RECESSIVE; DOCK8 Deficiency. Identifiers: Orphanet 217390, MedGen C4722305, MONDO:0009478, OMIM 243700.

Submission:

Neuberg Centre For Genomic Medicine, NCGM
Classification: Uncertain significance for Combined immunodeficiency due to DOCK8 deficiency. Review status: criteria provided, single submitter. Criteria: ACMG Guidelines, 2015. Collection method: clinical testing. Allele origin: germline. Affected: yes.
Comment: The missense variant p.G1988R in DOCK8 (NM_203447.4) has not been reported previously as a pathogenic variant nor as a benign variant, to our knowledge. The p.G1988R variant is novel (not in any individuals) in gnomAD Exomes and is novel (not in any individuals) in 1000 Genomes. There is a moderate physicochemical difference between glycine and arginine. The p.G1988R missense variant is predicted to be damaging by both SIFT and PolyPhen2. The glycine residue at codon 1988 of DOCK8 is conserved in all mammalian species. The nucleotide c.5962 in DOCK8 is predicted conserved by GERP++ and PhyloP across 100 vertebrates. For these reasons, this variant has been classified as Uncertain Significance.